The following is an entry in ClinVar:

ClinVar aggregate classification (germline): Likely benign (1 of 4 stars; one submission).

Allele frequency attached by ClinVar (database versions not stated): TOPMed 0.00030; gnomAD 0.00039; 1000 Genomes Project 0.00120; gnomAD exomes 0.00035.
gnomAD v4.1: 450 of 1,223,374 alleles (0.037%); highest among the groups gnomAD compares: South Asian, 0.67%; 2 homozygotes.

Submission:

CeGaT Center for Human Genetics Tuebingen
Classification: Likely benign. Last evaluated: 2022-12-01. Review status: criteria provided, single submitter. Criteria: CeGaT Center For Human Genetics Tuebingen Variant Classification Criteria Version 2. Collection method: clinical testing. Allele origin: germline. Affected: yes. Observed: 1 variant allele.
Comment: BSN: BP4, BP7

NM_003458.4(BSN):c.192C>T (p.Gly64=)

Genes: BSN (bassoon presynaptic cytomatrix protein; plus strand), LOC129936761 (ATAC-STARR-seq lymphoblastoid silent region 14369; plus strand). Cytogenetic location: 3p21.31.
Variant type: single nucleotide variant.
Coding change: c.192C>T on transcript NM_003458.4 (MANE Select); coding-DNA position 192, C replaced by T.
Protein change: p.Gly64=; no amino-acid change (glycine 64 retained).
Molecular consequence: synonymous variant.
Genome position (GRCh38, 1-based): chr3:49,554,794, C>T. VCF-style: chr3-49554794-C-T. GRCh37 (hg19) VCF-style: chr3-49592227-C-T.
Identifiers: ClinVar variation 2653830 (VCV002653830.24), dbSNP rs540515633, ClinGen allele CA2399353.